The following is an entry in ClinVar:

ClinVar aggregate classification (germline): Conflicting classifications of pathogenicity. Review status: criteria provided, conflicting classifications (1 of 4 stars). 10 submissions from 9 submitters: Uncertain significance (8); Benign (1); Likely benign (1). Last evaluated 2026-01-13.

Conditions:
PAX3-related disorder. Also called: PAX3-related condition.
Waardenburg syndrome. Also called: Waardenburg's syndrome. Identifiers: Orphanet 3440, MedGen C3266898, MONDO:0018094.
Craniofacial-deafness-hand syndrome (CDHS). Identifiers: Orphanet 1529, MedGen C1852510, MONDO:0007395, OMIM 122880.
Waardenburg syndrome type 1 (WS1). Also called: Waardenburg Syndrome Type I; WAARDENBURG SYNDROME WITH DYSTOPIA CANTHORUM. Identifiers: Orphanet 894, MedGen C1847800, MONDO:0008670, OMIM 193500.
Waardenburg syndrome type 3 (WS3). Also called: KLEIN-WAARDENBURG SYNDROME; Klein-Waardenberg's syndrome; WAARDENBURG SYNDROME WITH UPPER LIMB ANOMALIES. Identifiers: Orphanet 3440, Orphanet 896, MedGen C0079661, MONDO:0007862, OMIM 148820.
Alveolar rhabdomyosarcoma (RMS2). Also called: RHABDOMYOSARCOMA 2; Alveolar rhabdomyosarcoma (disease). Identifiers: Orphanet 780, Orphanet 99756, MedGen C0206655, MONDO:0009994, OMIM 268220, HP:0006779.

Allele frequency attached by ClinVar (database versions not stated): ExAC 0.00011; gnomAD exomes 0.00013; gnomAD 0.00016; TOPMed 0.00017; ESP Exome Variant Server 0.00023.
gnomAD v4.1: 352 of 1,614,132 alleles (0.022%); highest among the groups gnomAD compares: Non-Finnish European, 0.028%; no homozygotes.

Submissions (10):

PreventionGenetics, part of Exact Sciences
Classification: Uncertain significance for PAX3-related condition. Last evaluated: 2026-01-13. Review status: criteria provided, single submitter. Criteria: ACMG Guidelines, 2015. Collection method: clinical testing. Allele origin: germline.
Comment: The PAX3 c.580G>A variant is predicted to result in the amino acid substitution p.Glu194Lys. To our knowledge, this variant has not been reported in the literature. This variant is reported in 0.026% of alleles in individuals of European (Non-Finnish) descent in gnomAD. At this time, the clinical significance of this variant is uncertain due to the absence of conclusive functional and genetic evidence.

Mayo Clinic Laboratories, Mayo Clinic
Classification: Uncertain significance. Last evaluated: 2025-07-30. Review status: criteria provided, single submitter. Criteria: ACMG Guidelines, 2015. Collection method: clinical testing. Allele origin: germline. Observed: 1 variant allele.

Labcorp Genetics (formerly Invitae), Labcorp
Classification: Uncertain significance. Last evaluated: 2025-07-24. Review status: criteria provided, single submitter. Criteria: Invitae Variant Classification Sherloc (09022015). Collection method: clinical testing. Allele origin: germline.
Comment: This sequence change replaces glutamic acid, which is acidic and polar, with lysine, which is basic and polar, at codon 194 of the PAX3 protein (p.Glu194Lys). This variant is present in population databases (rs148454691, gnomAD 0.03%). This variant has not been reported in the literature in individuals affected with PAX3-related conditions. ClinVar contains an entry for this variant (Variation ID: 504786). Invitae Evidence Modeling of protein sequence and biophysical properties (such as structural, functional, and spatial information, amino acid conservation, physicochemical variation, residue mobility, and thermodynamic stability) indicates that this missense variant is not expected to disrupt PAX3 protein function with a negative predictive value of 80%. In summary, the available evidence is currently insufficient to determine the role of this variant in disease. Therefore, it has been classified as a Variant of Uncertain Significance.

Laboratory of Prof. Karen Avraham, Tel Aviv University
Classification: Uncertain significance for Waardenburg syndrome type 1. Last evaluated: 2024-12-26. Review status: criteria provided, single submitter. Criteria: ACMG Guidelines, 2015. Collection method: research. Allele origin: germline. Affected: yes. Observed: 1 variant allele.
Comment: The PAX3 c.580G>A:p.(Glu194Lys) heterozygous variant is very rare and possibly deleterious.

CeGaT Center for Human Genetics Tuebingen
Classification: Uncertain significance. Last evaluated: 2024-10-01. Review status: criteria provided, single submitter. Criteria: CeGaT Center For Human Genetics Tuebingen Variant Classification Criteria Version 2. Collection method: clinical testing. Allele origin: germline. Affected: yes. Observed: 1 variant allele.
Comment: PAX3: PP3

GeneDx
Classification: Uncertain significance. Last evaluated: 2024-07-10. Review status: criteria provided, single submitter. Criteria: GeneDx Variant Classification Process June 2021. Collection method: clinical testing. Allele origin: germline. Affected: yes.
Comment: In silico analysis indicates that this missense variant does not alter protein structure/function; Has not been previously published as pathogenic or benign to our knowledge

Fulgent Genetics
Classification: Uncertain significance for Craniofacial-deafness-hand syndrome; Waardenburg syndrome type 3; Waardenburg syndrome type 1; Alveolar rhabdomyosarcoma. Last evaluated: 2018-10-31. Review status: criteria provided, single submitter. Criteria: ACMG Guidelines, 2015. Collection method: clinical testing. Allele origin: unknown.

Illumina Laboratory Services, Illumina
Classification: Benign for Craniofacial-deafness-hand syndrome. Last evaluated: 2017-09-26. Review status: criteria provided, single submitter. Criteria: ICSL Variant Classification Criteria 13 December 2019. Collection method: clinical testing. Allele origin: germline.
Comment: This variant was observed as part of a predisposition screen in an ostensibly healthy population. A literature search was performed for the gene, cDNA change, and amino acid change (where applicable). No publications were found based on this search. Allele frequency data from public databases was too high to be consistent with this variant causing disease. Therefore, this variant is classified as benign.

Illumina Laboratory Services, Illumina
Classification: Likely benign for Waardenburg syndrome. Last evaluated: 2017-09-26. Review status: criteria provided, single submitter. Criteria: ICSL Variant Classification Criteria 13 December 2019. Collection method: clinical testing. Allele origin: germline.
Comment: This variant was observed as part of a predisposition screen in an ostensibly healthy population. A literature search was performed for the gene, cDNA change, and amino acid change (where applicable). No publications were found based on this search. Allele frequency data from public databases allowed determination this variant is unlikely to cause disease. Therefore, this variant is classified as likely benign.

Laboratory for Molecular Medicine, Mass General Brigham Personalized Medicine
Classification: Uncertain significance. Last evaluated: 2017-07-25. Review status: criteria provided, single submitter. Criteria: LMM Criteria. Collection method: clinical testing. Allele origin: germline. Observed: 2 variant alleles.
Comment: The p.Glu194Lys variant in PAX3 has not been previously reported in individuals with hearing loss or Waardenburg syndrome, but it has been identified in 33/1267 14 European chromosomes by the Genome Aggregation Database (gnomAD, d.; dbSNP rs148454691). Although this variant has been seen i n the general population, its frequency is not high enough to rule out a pathoge nic role. Computational prediction tools and conservation analyses do not provid e strong support for or against an impact to the protein. In summary, the clinic al significance of the p.Glu194Lys variant is uncertain.

NM_181458.4(PAX3):c.580G>A (p.Glu194Lys)

Gene: PAX3 (paired box 3; minus strand). Cytogenetic location: 2q36.1.
Variant type: single nucleotide variant.
Coding change: c.580G>A on transcript NM_181458.4 (MANE Select); coding-DNA position 580, G replaced by A.
Protein change: p.Glu194Lys; replaces glutamic acid 194 with lysine.
Molecular consequence: missense variant.
Genome position (GRCh38, 1-based): chr2:222,294,173, C>T on the plus strand (G>A on the coding strand, the complement: PAX3 is on the minus strand). VCF-style: chr2-222294173-C-T. GRCh37 (hg19) VCF-style: chr2-223158892-C-T.
Other names: WS1; c.580G>A, p.Glu194Lys (NM_000438.6, NM_013942.5, NM_181457.4 and 3 more transcripts); c.577G>A, p.Glu193Lys (NM_001127366.3); short protein forms E194K, E193K.
Identifiers: ClinVar variation 504786 (VCV000504786.33), dbSNP rs148454691, ClinGen allele CA2135687.